The following is an entry in ClinVar:

NM_000540.3(RYR1):c.7835+2T>G

Gene: RYR1 (ryanodine receptor 1; plus strand). Cytogenetic location: 19q13.2.
Variant type: single nucleotide variant.
Coding change: c.7835+2T>G on transcript NM_000540.3 (MANE Select); the canonical splice donor site of the intron after coding-DNA position 7835, T replaced by G.
Molecular consequence: splice donor variant.
Genome position (GRCh38, 1-based): chr19:38,502,729, T>G. VCF-style: chr19-38502729-T-G. GRCh37 (hg19) VCF-style: chr19-38993369-T-G.
Other names: c.7835+2T>G (NM_001042723.2).
Identifiers: ClinVar variation 1690953 (VCV001690953.7), dbSNP rs1970195394, ClinGen allele CA405673152.

ClinVar aggregate classification (germline): Likely pathogenic. Review status: criteria provided, multiple submitters, no conflicts (2 of 4 stars). 3 submissions from 3 submitters: Likely pathogenic (3). Last evaluated 2024-04-30.

Conditions:
Malignant hyperthermia, susceptibility to, 1 (MHS1). Also called: Anesthesia related hyperthermia; Malignant hyperpyrexia; Fulminating hyperpyrexia; Pharmacogenic myopathy; Malignant hyperthermia suceptibility 1; RYR1-Related Malignant Hyperthermia Susceptibility. Identifiers: Orphanet 423, MedGen C2930980, MONDO:0007783, OMIM 145600.
RYR1-related disorder. Also called: RYR1-related disorders; RYR1-related condition. Identifiers: MedGen CN239331.

Allele frequency attached by ClinVar (database versions not stated): gnomAD exomes below 0.00001.

Submissions (3):

Labcorp Genetics (formerly Invitae), Labcorp
Classification: Likely pathogenic for RYR1-related disorder. Last evaluated: 2024-04-30. Review status: criteria provided, single submitter. Criteria: Invitae Variant Classification Sherloc (09022015). Collection method: clinical testing. Allele origin: germline.
Comment: This sequence change affects a donor splice site in intron 48 of the RYR1 gene. It is expected to disrupt RNA splicing. Variants that disrupt the donor or acceptor splice site typically lead to a loss of protein function (PMID: 16199547), and loss-of-function variants in RYR1 are known to be pathogenic (PMID: 23919265, 25960145, 28818389, 30611313). This variant is not present in population databases (gnomAD no frequency). This variant has not been reported in the literature in individuals affected with RYR1-related conditions. ClinVar contains an entry for this variant (Variation ID: 1690953). Algorithms developed to predict the effect of sequence changes on RNA splicing suggest that this variant may disrupt the consensus splice site. In summary, the currently available evidence indicates that the variant is pathogenic, but additional data are needed to prove that conclusively. Therefore, this variant has been classified as Likely Pathogenic.

GeneDx
Classification: Likely pathogenic. Last evaluated: 2022-11-15. Review status: criteria provided, single submitter. Criteria: GeneDx Variant Classification Process June 2021. Collection method: clinical testing. Allele origin: germline. Affected: yes.
Comment: Canonical splice site variant predicted to result in a null allele in a gene for which loss of function is a known mechanism of disease; Not observed at significant frequency in large population cohorts (gnomAD); Has not been previously published as pathogenic or benign to our knowledge

Laboratorio de Genetica e Diagnostico Molecular, Hospital Israelita Albert Einstein
Classification: Likely pathogenic for Malignant hyperthermia, susceptibility to, 1. Last evaluated: 2020-10-30. Review status: criteria provided, single submitter. Criteria: ACMG Guidelines, 2015. Collection method: clinical testing. Allele origin: germline.
Comment: ACMG classification criteria: PVS1, PM2

Literature cited by the submitters: PubMed 16199547 (cited by Labcorp Genetics (formerly Invitae), Labcorp); PubMed 23919265 (cited by Labcorp Genetics (formerly Invitae), Labcorp); PubMed 25960145 (cited by Labcorp Genetics (formerly Invitae), Labcorp); PubMed 28818389 (cited by Labcorp Genetics (formerly Invitae), Labcorp); PubMed 30611313 (cited by Labcorp Genetics (formerly Invitae), Labcorp).